The following is an entry in ClinVar:

NM_018062.4(FANCL):c.1052G>A (p.Ser351Asn)

Gene: FANCL (FA complementation group L; minus strand). Cytogenetic location: 2p16.1.
Variant type: single nucleotide variant.
Coding change: c.1052G>A on transcript NM_018062.4 (MANE Select); coding-DNA position 1052, G replaced by A.
Protein change: p.Ser351Asn; replaces serine 351 with asparagine.
Molecular consequence: missense variant.
Genome position (GRCh38, 1-based): chr2:58,160,148, C>T on the plus strand (G>A on the coding strand, the complement: FANCL is on the minus strand). VCF-style: chr2-58160148-C-T. GRCh37 (hg19) VCF-style: chr2-58387283-C-T.
Other names: c.1067G>A, p.Ser356Asn (NM_001114636.2); c.1097G>A, p.Ser366Asn (NM_001374615.1); c.1112G>A, p.Ser371Asn (NM_001410792.1); short protein forms S351N, S356N, S366N, S371N.
Identifiers: ClinVar variation 660117 (VCV000660117.10), dbSNP rs145260146, ClinGen allele CA1670321.

ClinVar aggregate classification (germline): Uncertain significance. Review status: criteria provided, multiple submitters, no conflicts (2 of 4 stars). 2 submissions from 2 submitters: Uncertain significance (2). Last evaluated 2026-01-27.

Conditions:
Fanconi anemia complementation group L (FANCL). Also called: FANCL-Related Fanconi Anemia. Identifiers: Orphanet 84, MedGen C3469528, MONDO:0013566, OMIM 614083.
Fanconi anemia (FA). Also called: Fanconi's anemia. Identifiers: Orphanet 84, MedGen C0015625, MeSH D005199, MONDO:0019391.

Allele frequency attached by ClinVar (database versions not stated): ExAC 0.00002; gnomAD 0.00004; gnomAD exomes 0.00004 and 0.00008; TOPMed 0.00005; ESP Exome Variant Server 0.00015.
gnomAD v4.1: 120 of 1,612,736 alleles (0.0074%); highest among the groups gnomAD compares: Non-Finnish European, 0.0095%; no homozygotes.

Submissions (2):

Labcorp Genetics (formerly Invitae), Labcorp
Classification: Uncertain significance for Fanconi anemia. Last evaluated: 2026-01-27. Review status: criteria provided, single submitter. Criteria: Invitae Variant Classification Sherloc (09022015). Collection method: clinical testing. Allele origin: germline.
Comment: This sequence change replaces serine, which is neutral and polar, with asparagine, which is neutral and polar, at codon 351 of the FANCL protein (p.Ser351Asn). This variant is present in population databases (rs145260146, gnomAD 0.007%). This variant has not been reported in the literature in individuals affected with FANCL-related conditions. ClinVar contains an entry for this variant (Variation ID: 660117). Invitae Evidence Modeling of protein sequence and biophysical properties (such as structural, functional, and spatial information, amino acid conservation, physicochemical variation, residue mobility, and thermodynamic stability) indicates that this missense variant is not expected to disrupt FANCL protein function with a negative predictive value of 80%. In summary, the available evidence is currently insufficient to determine the role of this variant in disease. Therefore, it has been classified as a Variant of Uncertain Significance.

Fulgent Genetics
Classification: Uncertain significance for Fanconi anemia complementation group L. Last evaluated: 2024-05-28. Review status: criteria provided, single submitter. Criteria: ACMG Guidelines, 2015. Collection method: clinical testing. Allele origin: germline.